The following is an entry in ClinVar:

NM_006767.4(LZTR1):c.1978G>T (p.Glu660Ter)

Gene: LZTR1 (leucine zipper like post translational regulator 1; plus strand). Cytogenetic location: 22q11.21.
Variant type: single nucleotide variant.
Coding change: c.1978G>T on transcript NM_006767.4 (MANE Select); coding-DNA position 1978, G replaced by T.
Protein change: p.Glu660Ter; replaces glutamic acid 660 with a stop codon.
Molecular consequence: nonsense.
Genome position (GRCh38, 1-based): chr22:20,995,781, G>T. VCF-style: chr22-20995781-G-T. GRCh37 (hg19) VCF-style: chr22-21350070-G-T.
Other names: short protein forms E660*.
Identifiers: ClinVar variation 1783753 (VCV001783753.2), dbSNP rs151000791, ClinGen allele CA410778997.

ClinVar aggregate classification (germline): Pathogenic (1 of 4 stars; one submission).

Conditions:
Hereditary cancer-predisposing syndrome. Also called: Neoplastic Syndromes, Hereditary; Tumor predisposition; Hereditary Cancer Syndrome; Hereditary neoplastic syndrome. Identifiers: Orphanet 140162, MedGen C0027672, MeSH D009386, MONDO:0015356.
Cardiovascular phenotype. Identifiers: MedGen CN230736.

gnomAD v4.1: 3 of 1,613,650 alleles (0.00019%); highest among the groups gnomAD compares: Non-Finnish European, 0.00025%; no homozygotes.

Submission:

Ambry Genetics
Classification: Pathogenic for Cardiovascular phenotype; Hereditary cancer-predisposing syndrome. Last evaluated: 2022-09-06. Review status: criteria provided, single submitter. Criteria: Ambry Variant Classification Scheme 2023. Collection method: clinical testing. Allele origin: germline.
Comment: The p.E660* pathogenic mutation (also known as c.1978G>T), located in coding exon 17 of the LZTR1 gene, results from a G to T substitution at nucleotide position 1978. This changes the amino acid from a glutamic acid to a stop codon within coding exon 17. This alteration is expected to result in loss of function by premature protein truncation or nonsense-mediated mRNA decay. Loss-of-function variants in LZTR1 are related to an increased risk for schwannomas and autosomal recessive Noonan syndrome; however, such associations with autosomal dominant Noonan syndrome have not been observed (Piotrowski A et al. Nat Genet. 2014 Feb;46:182-7; Yamamoto GL et al. J Med Genet. 2015 Jun;52:413-21; Johnston JJ et al. Genet Med. 2018 10;20:1175-1185). Based on the supporting evidence, this variant is pathogenic for an increased risk of LZTR1-related schwannomatosis (SWN) and would be expected to cause autosomal recessive Noonan syndrome when present along with a second pathogenic or likely pathogenic variant on the other allele; however, the association of this alteration with autosomal dominant Noonan syndrome is unlikely.